The following is an entry in ClinVar:

NM_012307.5(EPB41L3):c.593A>T (p.Glu198Val)

Gene: EPB41L3 (erythrocyte membrane protein band 4.1 like 3; minus strand). Cytogenetic location: 18p11.31.
Variant type: single nucleotide variant.
Coding change: c.593A>T on transcript NM_012307.5 (MANE Select); coding-DNA position 593, A replaced by T.
Protein change: p.Glu198Val; replaces glutamic acid 198 with valine.
Molecular consequence: missense variant.
Genome position (GRCh38, 1-based): chr18:5,438,047, T>A on the plus strand (A>T on the coding strand, the complement: EPB41L3 is on the minus strand). VCF-style: chr18-5438047-T-A. GRCh37 (hg19) VCF-style: chr18-5438046-T-A.
Other names: c.593A>T, p.Glu198Val (NM_001281533.2, NM_001281534.3, NM_001330557.2 and 15 more transcripts); c.266A>T, p.Glu89Val (NM_001281535.2, NM_001384683.1, NM_001384698.1 and 8 more transcripts); short protein forms E198V, E89V.
Identifiers: ClinVar variation 4538318 (VCV004538318.1).
Genomic context (GRCh38, chr18:5,438,047, plus strand): 5'-ACAACTCTCCCAATATGCTTGTCTTTTGCATAGCCAACTTTCAAATACCTGGTGATATCT[T>A]CAGATAGTTGGGCAGGGTCTGGTGGATAAAATTTCACATTAAATGAAAAGTGCCAAGCAC-3'
Protein context (NP_036439.2, residues 188-208): FYPPDPAQLS[Glu198Val]DITRYYLCLQ

ClinVar aggregate classification (germline): Uncertain significance (1 of 4 stars; one submission).

Submission:

Greenwood Genetic Center Diagnostic Laboratories, Greenwood Genetic Center
Classification: Uncertain significance. Last evaluated: 2025-06-17. Review status: criteria provided, single submitter. Criteria: ACMG Guidelines, 2015. Collection method: clinical testing. Allele origin: germline. Affected: yes.
Comment: Gene of Uncertain Significance